The following is an entry in ClinVar:

NM_001256545.2(MEGF10):c.780+240G>A

Gene: MEGF10 (multiple EGF like domains 10; plus strand). Cytogenetic location: 5q23.2.
Variant type: single nucleotide variant.
Coding change: c.780+240G>A on transcript NM_001256545.2 (MANE Select); 240 bases into the intron after coding-DNA position 780, G replaced by A.
Molecular consequence: intron variant.
Genome position (GRCh38, 1-based): chr5:127,399,036, G>A. VCF-style: chr5-127399036-G-A. GRCh37 (hg19) VCF-style: chr5-126734728-G-A.
Other names: c.780+240G>A (NM_032446.3, NM_001308119.2, NM_001308121.2).
Identifiers: ClinVar variation 677329 (VCV000677329.1), dbSNP rs75289329, ClinGen allele CA126932152.

ClinVar aggregate classification (germline): Likely benign (1 of 4 stars; one submission).

Allele frequency attached by ClinVar (database versions not stated): TOPMed 0.00930; gnomAD 0.01036 and 0.01119; 1000 Genomes Project 30x 0.01780; 1000 Genomes Project 0.01857.
gnomAD v4.1: 1,703 of 152,270 alleles (1.1%); highest among the groups gnomAD compares: East Asian, 4.6%; 21 homozygotes.

Submission:

GeneDx
Classification: Likely benign. Last evaluated: 2018-06-18. Review status: criteria provided, single submitter. Criteria: GeneDx Variant Classification (06012015). Collection method: clinical testing. Allele origin: germline. Affected: yes.
Comment: This variant is considered likely benign or benign based on one or more of the following criteria: it is a conservative change, it occurs at a poorly conserved position in the protein, it is predicted to be benign by multiple in silico algorithms, and/or has population frequency not consistent with disease.